The following is an entry in ClinVar:

ClinVar aggregate classification (germline): Likely pathogenic (1 of 4 stars; one submission).

gnomAD v4.1: 5 of 1,601,174 alleles (0.00031%); highest among the groups gnomAD compares: African/African-American, 0.004%; no homozygotes.

Submission:

CeGaT Center for Human Genetics Tuebingen
Classification: Likely pathogenic. Last evaluated: 2026-02-01. Review status: criteria provided, single submitter. Criteria: CeGaT Center For Human Genetics Tuebingen Variant Classification Criteria Version 2. Collection method: clinical testing. Allele origin: germline. Affected: yes. Observed: 1 variant allele.
Comment: MYORG: PVS1:Strong, PM2

NM_020702.5(MYORG):c.404C>A (p.Ser135Ter)

Gene: MYORG (myogenesis regulating glycosidase; minus strand). Cytogenetic location: 9p13.3.
Variant type: single nucleotide variant.
Coding change: c.404C>A on transcript NM_020702.5 (MANE Select); coding-DNA position 404, C replaced by A.
Protein change: p.Ser135Ter; replaces serine 135 with a stop codon.
Molecular consequence: nonsense.
Genome position (GRCh38, 1-based): chr9:34,372,540, G>T on the plus strand (C>A on the coding strand, the complement: MYORG is on the minus strand). VCF-style: chr9-34372540-G-T. GRCh37 (hg19) VCF-style: chr9-34372538-G-T.
Other names: short protein forms S135*.
Identifiers: ClinVar variation 4821708 (VCV004821708.4).